The following is an entry in ClinVar:

NM_000399.5(EGR2):c.929A>G (p.Tyr310Cys)

Gene: EGR2 (early growth response 2; minus strand). Cytogenetic location: 10q21.3.
Variant type: single nucleotide variant.
Coding change: c.929A>G on transcript NM_000399.5 (MANE Select); coding-DNA position 929, A replaced by G.
Protein change: p.Tyr310Cys; replaces tyrosine 310 with cysteine.
Molecular consequence: missense variant.
Genome position (GRCh38, 1-based): chr10:62,813,709, T>C on the plus strand (A>G on the coding strand, the complement: EGR2 is on the minus strand). VCF-style: chr10-62813709-T-C. GRCh37 (hg19) VCF-style: chr10-64573469-T-C.
Other names: c.929A>G, p.Tyr310Cys (NM_001136177.3, NM_001136178.2); c.779A>G, p.Tyr260Cys (NM_001136179.3, NM_001321037.2); c.968A>G, p.Tyr323Cys (NM_001410931.1); short protein forms Y310C, Y323C, Y260C.
Identifiers: ClinVar variation 2885409 (VCV002885409.3), dbSNP rs967096889, ClinGen allele CA208351407.

ClinVar aggregate classification (germline): Uncertain significance (1 of 4 stars; one submission).

Conditions:
Charcot-Marie-Tooth disease, type I (CMT1). Also called: Charcot-Marie-Tooth, Type 1; Charcot-Marie-Tooth disease type 1. Identifiers: Orphanet 65753, MedGen C0751036, MONDO:0019011.

Allele frequency attached by ClinVar (database versions not stated): gnomAD exomes below 0.00001; TOPMed below 0.00001; gnomAD 0.00001.
gnomAD v4.1: 2 of 1,612,368 alleles (0.00012%); highest among the groups gnomAD compares: Admixed American, 0.0017%; no homozygotes.

Submission:

Labcorp Genetics (formerly Invitae), Labcorp
Classification: Uncertain significance for Charcot-Marie-Tooth disease, type I. Last evaluated: 2023-09-06. Review status: criteria provided, single submitter. Criteria: Invitae Variant Classification Sherloc (09022015). Collection method: clinical testing. Allele origin: germline.
Comment: In summary, the available evidence is currently insufficient to determine the role of this variant in disease. Therefore, it has been classified as a Variant of Uncertain Significance. Advanced modeling of protein sequence and biophysical properties (such as structural, functional, and spatial information, amino acid conservation, physicochemical variation, residue mobility, and thermodynamic stability) performed at Invitae indicates that this missense variant is not expected to disrupt EGR2 protein function. This variant has not been reported in the literature in individuals affected with EGR2-related conditions. This variant is not present in population databases (gnomAD no frequency). This sequence change replaces tyrosine, which is neutral and polar, with cysteine, which is neutral and slightly polar, at codon 310 of the EGR2 protein (p.Tyr310Cys).